The following is an entry in ClinVar:

NM_001429.4(EP300):c.6356C>T (p.Pro2119Leu)

Gene: EP300 (E1A binding protein p300; plus strand). Cytogenetic location: 22q13.2.
Variant type: single nucleotide variant.
Coding change: c.6356C>T on transcript NM_001429.4 (MANE Select); coding-DNA position 6356, C replaced by T.
Protein change: p.Pro2119Leu; replaces proline 2119 with leucine.
Molecular consequence: missense variant.
Genome position (GRCh38, 1-based): chr22:41,178,067, C>T. VCF-style: chr22-41178067-C-T. GRCh37 (hg19) VCF-style: chr22-41574071-C-T.
Other names: c.6278C>T, p.Pro2093Leu (NM_001362843.2); short protein forms P2093L, P2119L.
Identifiers: ClinVar variation 3348478 (VCV003348478.1).

ClinVar aggregate classification (germline): Uncertain significance (0 of 4 stars; one submission).

Conditions:
EP300-related disorder. Also called: EP300-related disorders; EP300-related condition.

Submission:

PreventionGenetics, part of Exact Sciences
Classification: Uncertain significance for EP300-related condition. Last evaluated: 2024-02-22. Review status: no assertion criteria provided. Collection method: clinical testing. Allele origin: germline.
Comment: The EP300 c.6356C>T variant is predicted to result in the amino acid substitution p.Pro2119Leu. To our knowledge, this variant has not been reported in the literature or in a large population database, indicating this variant is rare. At this time, the clinical significance of this variant is uncertain due to the absence of conclusive functional and genetic evidence.